The following is an entry in ClinVar:

ClinVar aggregate classification (germline): Uncertain significance (1 of 4 stars; one submission).

Conditions:
Progressive sclerosing poliodystrophy (MTDPS4A). Also called: Mitochondrial DNA Depletion Syndrome 4A; Alpers-Huttenlocher Syndrome (AHS); ALPERS PROGRESSIVE INFANTILE POLIODYSTROPHY; NEURONAL DEGENERATION OF CHILDHOOD WITH LIVER DISEASE, PROGRESSIVE; Mitochondrial DNA depletion syndrome 4A (Alpers type); Alpers Syndrome. Identifiers: Orphanet 726, MedGen C0205710, MONDO:0008758, OMIM 203700.

Submission:

Labcorp Genetics (formerly Invitae), Labcorp
Classification: Uncertain significance for Progressive sclerosing poliodystrophy. Last evaluated: 2024-04-02. Review status: criteria provided, single submitter. Criteria: Invitae Variant Classification Sherloc (09022015). Collection method: clinical testing. Allele origin: germline.
Comment: This variant, c.164_166dup, results in the insertion of 1 amino acid(s) of the POLG protein (p.Gln55dup), but otherwise preserves the integrity of the reading frame. This variant is not present in population databases (gnomAD no frequency). This variant has not been reported in the literature in individuals affected with POLG-related conditions. Experimental studies and prediction algorithms are not available or were not evaluated, and the functional significance of this variant is currently unknown. In summary, the available evidence is currently insufficient to determine the role of this variant in disease. Therefore, it has been classified as a Variant of Uncertain Significance.

NM_002693.3(POLG):c.161AGC[3] (p.Gln55_Pro56insGln)

Genes: POLG (DNA polymerase gamma, catalytic subunit; minus strand), POLGARF (POLG alternative reading frame; minus strand). Cytogenetic location: 15q26.1.
Variant type: Microsatellite.
Coding change: c.161AGC[3] on transcript NM_002693.3 (MANE Select); three copies in a row of the 3-base unit AGC starting at c.161; the reference has two copies in a row; one copy, 3 bases duplicated.
Protein change: p.Gln55_Pro56insGln.
Molecular consequence: inframe insertion.
Genome position (GRCh38, 1-based): chr15:89,333,589-89,333,591, GCT duplicated on the plus strand (AGC on the coding strand, the reverse complement: POLG is on the minus strand); duplicating any 3 consecutive bases within chr15:89,333,589-89,333,595 gives the same sequence; the position shown is the placement nearest the transcript's 3' end. VCF-style (leftmost placement, unchanged base first): chr15-89333588-G-GGCT. GRCh37 (hg19) VCF-style: chr15-89876819-G-GGCT.
Other names: c.161AGC[3], p.Gln55_Pro56insGln (NM_001126131.2).
Identifiers: ClinVar variation 2416706 (VCV002416706.8), dbSNP rs751908240, ClinGen allele CA2194573149.